The following is an entry in ClinVar:

ClinVar aggregate classification (germline): Uncertain significance (1 of 4 stars; one submission).

Allele frequency attached by ClinVar (database versions not stated): gnomAD 0.00003; ESP Exome Variant Server 0.00008.
gnomAD v4.1: 55 of 1,611,688 alleles (0.0034%); highest among the groups gnomAD compares: African/African-American, 0.0067%; no homozygotes.

Submission:

Labcorp Genetics (formerly Invitae), Labcorp
Classification: Uncertain significance. Last evaluated: 2022-05-12. Review status: criteria provided, single submitter. Criteria: Invitae Variant Classification Sherloc (09022015). Collection method: clinical testing. Allele origin: germline.
Comment: In summary, the available evidence is currently insufficient to determine the role of this variant in disease. Therefore, it has been classified as a Variant of Uncertain Significance. This variant has not been reported in the literature in individuals affected with CACNA2D4-related conditions. This variant is present in population databases (rs369451253, gnomAD 0.02%). This sequence change creates a premature translational stop signal (p.Arg355*) in the CACNA2D4 gene. It is expected to result in an absent or disrupted protein product. However, the current clinical and genetic evidence is not sufficient to establish whether loss-of-function variants in CACNA2D4 cause disease.

NM_172364.5(CACNA2D4):c.1063C>T (p.Arg355Ter)

Gene: CACNA2D4 (calcium voltage-gated channel auxiliary subunit alpha2delta 4; minus strand). Cytogenetic location: 12p13.33.
Variant type: single nucleotide variant.
Coding change: c.1063C>T on transcript NM_172364.5 (MANE Select); coding-DNA position 1063, C replaced by T.
Protein change: p.Arg355Ter; replaces arginine 355 with a stop codon.
Molecular consequence: nonsense.
Genome position (GRCh38, 1-based): chr12:1,885,970, G>A on the plus strand (C>T on the coding strand, the complement: CACNA2D4 is on the minus strand). VCF-style: chr12-1885970-G-A. GRCh37 (hg19) VCF-style: chr12-1995136-G-A.
Other names: short protein forms R355*.
Identifiers: ClinVar variation 1461687 (VCV001461687.6), dbSNP rs369451253, ClinGen allele CA6387305.